The following is an entry in ClinVar:

NM_182961.4(SYNE1):c.17545A>G (p.Thr5849Ala)

Gene: SYNE1 (spectrin repeat containing nuclear envelope protein 1; minus strand). Cytogenetic location: 6q25.2.
Variant type: single nucleotide variant.
Coding change: c.17545A>G on transcript NM_182961.4 (MANE Select); coding-DNA position 17545, A replaced by G.
Protein change: p.Thr5849Ala; replaces threonine 5849 with alanine.
Molecular consequence: missense variant.
Genome position (GRCh38, 1-based): chr6:152,300,778, T>C on the plus strand (A>G on the coding strand, the complement: SYNE1 is on the minus strand). VCF-style: chr6-152300778-T-C. GRCh37 (hg19) VCF-style: chr6-152621913-T-C.
Other names: c.17332A>G, p.Thr5778Ala (NM_033071.5); short protein forms T5778A, T5849A.
Identifiers: ClinVar variation 928922 (VCV000928922.1), dbSNP rs2095126393, ClinGen allele CA366103554.
Genomic context (GRCh38, chr6:152,300,778, plus strand): 5'-TTCCCTCCTCCCCAGACTCCTCAGTGACCGGTGACAGCAAAGTGTGACAGCGACCTGCAG[T>C]CATCTGCCACGTAAAATGTAGCCCAAAGGACATGAAAATCAATTAGCTATGTTAACATAA-3'
Protein context (NP_892006.3, residues 5839-5859): PSAHPSVVMM[Thr5849Ala]AGRCHTLLSP

ClinVar aggregate classification (germline): Uncertain significance (1 of 4 stars; one submission).

Submission:

Women's Health and Genetics/Laboratory Corporation of America, LabCorp
Classification: Uncertain significance. Last evaluated: 2019-07-24. Review status: criteria provided, single submitter. Criteria: LabCorp Variant Classification Summary - May 2015. Collection method: clinical testing. Allele origin: germline.
Comment: Variant summary: SYNE1 c.17332A>G (p.Thr5778Ala) results in a non-conservative amino acid change located in one of the Spectrin repeat domains (IPR002017) of the encoded protein sequence. Four of five in-silico tools predict a damaging effect of the variant on protein function. The variant was absent in 251180 control chromosomes (gnomAD). The available data on variant occurrences in the general population are insufficient to allow any conclusion about variant significance. To our knowledge, no occurrence of c.17332A>G in individuals affected with Emery-Dreifuss muscular dystrophy 4, autosomal dominant and no experimental evidence demonstrating its impact on protein function have been reported. No clinical diagnostic laboratories have submitted clinical-significance assessments for this variant to ClinVar after 2014. Based on the evidence outlined above, the variant was classified as uncertain significance.